The following is an entry in ClinVar:

ClinVar aggregate classification (germline): Uncertain significance (1 of 4 stars; one submission).

gnomAD v4.1: 1 of 1,614,122 alleles (0.000062%); highest among the groups gnomAD compares: Non-Finnish European, 0.000085%; no homozygotes.

Submission:

Ambry Genetics
Classification: Uncertain significance. Last evaluated: 2023-03-05. Review status: criteria provided, single submitter. Criteria: Ambry Variant Classification Scheme 2023. Collection method: clinical testing. Allele origin: germline.
Comment: The p.D488V variant (also known as c.1463A>T), located in coding exon 13 of the BUB1 gene, results from an A to T substitution at nucleotide position 1463. The aspartic acid at codon 488 is replaced by valine, an amino acid with highly dissimilar properties. This amino acid position is conserved. In addition, this alteration is predicted to be tolerated by in silico analysis. Since supporting evidence is limited at this time, the clinical significance of this alteration remains unclear.

NM_004336.5(BUB1):c.1463A>T (p.Asp488Val)

Gene: BUB1 (BUB1 mitotic checkpoint serine/threonine kinase; minus strand). Cytogenetic location: 2q13.
Variant type: single nucleotide variant.
Coding change: c.1463A>T on transcript NM_004336.5 (MANE Select); coding-DNA position 1463, A replaced by T.
Protein change: p.Asp488Val; replaces aspartic acid 488 with valine.
Molecular consequence: missense variant.
Genome position (GRCh38, 1-based): chr2:110,658,463, T>A on the plus strand (A>T on the coding strand, the complement: BUB1 is on the minus strand). VCF-style: chr2-110658463-T-A. GRCh37 (hg19) VCF-style: chr2-111416040-T-A.
Other names: c.1403A>T, p.Asp468Val (NM_001278616.2); c.1463A>T, p.Asp488Val (NM_001278617.2); short protein forms D468V, D488V.
Identifiers: ClinVar variation 2464950 (VCV002464950.2), dbSNP rs1230784384, ClinGen allele CA348212356.
Genomic context (GRCh38, chr2:110,658,463, plus strand): 5'-TTATTACTTTGAAACTGGGCTTCAAATGCATCTTCATTTTGATCTAGAGATTGCCATTCA[T>A]CTTTGTCATCAGAAATATCAGGAAGTGTAGGAGCCTGAAACATATTCATGATGAAACCTT-3'
Protein context (NP_004327.1, residues 478-498): PTLPDISDDK[Asp488Val]EWQSLDQNED